The following is an entry in ClinVar:

ClinVar aggregate classification (germline): Conflicting classifications of pathogenicity. Review status: criteria provided, conflicting classifications (1 of 4 stars). 2 submissions from 2 submitters: Uncertain significance (1); Likely benign (1). Last evaluated 2022-12-01.

Allele frequency attached by ClinVar (database versions not stated): gnomAD 0.00032; ESP Exome Variant Server 0.00033.

Submissions (2):

CeGaT Center for Human Genetics Tuebingen
Classification: Likely benign. Last evaluated: 2022-12-01. Review status: criteria provided, single submitter. Criteria: CeGaT Center For Human Genetics Tuebingen Variant Classification Criteria Version 2. Collection method: clinical testing. Allele origin: germline. Affected: yes. Observed: 1 variant allele.
Comment: MUC5B: BP4, BS2

Ambry Genetics
Classification: Uncertain significance. Last evaluated: 2021-08-09. Review status: criteria provided, single submitter. Criteria: Ambry Variant Classification Scheme 2023. Collection method: clinical testing. Allele origin: germline.

NM_002458.3(MUC5B):c.9896C>T (p.Thr3299Ile)

Genes: MUC5B (mucin 5B, oligomeric mucus/gel-forming; plus strand), MUC5B-AS1 (MUC5B antisense RNA 1; minus strand). Cytogenetic location: 11p15.5.
Variant type: single nucleotide variant.
Coding change: c.9896C>T on transcript NM_002458.3 (MANE Select); coding-DNA position 9896, C replaced by T.
Protein change: p.Thr3299Ile; replaces threonine 3299 with isoleucine.
Molecular consequence: missense variant.
Genome position (GRCh38, 1-based): chr11:1,246,776, C>T. VCF-style: chr11-1246776-C-T. GRCh37 (hg19) VCF-style: chr11-1268006-C-T.
Other names: short protein forms T3299I.
Identifiers: ClinVar variation 2300128 (VCV002300128.26), dbSNP rs200737515, ClinGen allele CA5807175.
Genomic context (GRCh38, chr11:1,246,776, plus strand): 5'-TGCTTACCACCACGACCACCACAACCAGGGCCACCGGCTCTGTGGCCACCCCCTCCTCCA[C>T]CCCAGGAACAGCTCACACTACCAAAGTGCCGACTACCACAACCACGGGCTTCACAGCCAC-3'
Protein context (NP_002449.2, residues 3289-3309): ATGSVATPSS[Thr3299Ile]PGTAHTTKVP